The following is an entry in ClinVar:

NM_001142864.4(PIEZO1):c.284-5T>C

Gene: PIEZO1 (piezo type mechanosensitive ion channel component 1 (Er blood group); minus strand). Cytogenetic location: 16q24.3.
Variant type: single nucleotide variant.
Coding change: c.284-5T>C on transcript NM_001142864.4 (MANE Select); 5 bases into the intron before coding-DNA position 284, T replaced by C.
Molecular consequence: intron variant.
Genome position (GRCh38, 1-based): chr16:88,742,100, A>G on the plus strand (T>C on the coding strand, the complement: PIEZO1 is on the minus strand). VCF-style: chr16-88742100-A-G. GRCh37 (hg19) VCF-style: chr16-88808508-A-G.
Identifiers: ClinVar variation 3056464 (VCV003056464.2), dbSNP rs1905716839, ClinGen allele CA497113016.

ClinVar aggregate classification (germline): Likely benign (0 of 4 stars; one submission).

Conditions:
PIEZO1-related disorder. Also called: PIEZO1-related condition; PIEZO1-Related Disorders.

Submission:

PreventionGenetics, part of Exact Sciences
Classification: Likely benign for PIEZO1-related condition. Last evaluated: 2021-08-01. Review status: no assertion criteria provided. Collection method: clinical testing. Allele origin: germline.
Comment: This variant is classified as likely benign based on ACMG/AMP sequence variant interpretation guidelines (Richards et al. 2015 PMID: 25741868, with internal and published modifications).